The following is an entry in ClinVar:

ClinVar aggregate classification (germline): Uncertain significance (1 of 4 stars; one submission).

Conditions:
Hereditary hyperferritinemia with congenital cataracts. Also called: Hereditary hyperferritinemia cataract syndrome; Bonneau-Beaumont syndrome; HYPERFERRITINEMIA WITH OR WITHOUT CATARACT. Identifiers: Orphanet 163, MedGen C1833213, MONDO:0010952, OMIM 600886.
Neuroferritinopathy (NBIA3). Also called: NEURODEGENERATION WITH BRAIN IRON ACCUMULATION 3; BASAL GANGLIA DISEASE, ADULT-ONSET. Identifiers: Orphanet 157846, MedGen C1853578, MONDO:0011638, OMIM 606159.

gnomAD v4.1: 2 of 1,613,968 alleles (0.00012%); highest among the groups gnomAD compares: Admixed American, 0.0017%; no homozygotes.

Submission:

Labcorp Genetics (formerly Invitae), Labcorp
Classification: Uncertain significance for Neuroferritinopathy; Hereditary hyperferritinemia with congenital cataracts. Last evaluated: 2024-01-22. Review status: criteria provided, single submitter. Criteria: Invitae Variant Classification Sherloc (09022015). Collection method: clinical testing. Allele origin: germline.
Comment: This sequence change falls in intron 2 of the FTL gene. It does not directly change the encoded amino acid sequence of the FTL protein. It affects a nucleotide within the consensus splice site. This variant is present in population databases (no rsID available, gnomAD 0.003%). This variant has not been reported in the literature in individuals affected with FTL-related conditions. ClinVar contains an entry for this variant (Variation ID: 2156473). Variants that disrupt the consensus splice site are a relatively common cause of aberrant splicing (PMID: 17576681, 9536098). Algorithms developed to predict the effect of sequence changes on RNA splicing suggest that this variant is not likely to affect RNA splicing. In summary, the available evidence is currently insufficient to determine the role of this variant in disease. Therefore, it has been classified as a Variant of Uncertain Significance.

Literature cited by the submitters: PubMed 17576681; PubMed 9536098.

NM_000146.4(FTL):c.249+6T>C

Gene: FTL (ferritin light chain; plus strand). Cytogenetic location: 19q13.33.
Variant type: single nucleotide variant.
Coding change: c.249+6T>C on transcript NM_000146.4 (MANE Select); 6 bases into the intron after coding-DNA position 249, T replaced by C.
Molecular consequence: intron variant.
Genome position (GRCh38, 1-based): chr19:48,965,922, T>C. VCF-style: chr19-48965922-T-C. GRCh37 (hg19) VCF-style: chr19-49469179-T-C.
Identifiers: ClinVar variation 2156473 (VCV002156473.4), dbSNP rs376987924, ClinGen allele CA633889304.